The following is an entry in ClinVar:

NM_020458.4(TTC7A):c.2243_2244delinsCT (p.Leu748Pro)

Gene: TTC7A (tetratricopeptide repeat domain 7A; plus strand). Cytogenetic location: 2p21.
Variant type: Indel.
Coding change: c.2243_2244delinsCT on transcript NM_020458.4 (MANE Select); coding-DNA positions 2243 to 2244, TC replaced by CT.
Protein change: p.Leu748Pro; replaces leucine 748 with proline.
Molecular consequence: missense variant.
Genome position (GRCh38, 1-based): chr2:47,060,859-47,060,860, TC replaced by CT. VCF-style: chr2-47060859-TC-CT. GRCh37 (hg19) VCF-style: chr2-47287998-TC-CT.
Other names: c.2315_2316delinsCT, p.Leu772Pro (NM_001288951.2); c.2141_2142delinsCT, p.Leu714Pro (NM_001288953.2); c.1181_1182delinsCT, p.Leu394Pro (NM_001288955.2); short protein forms L714P, L748P, L394P, L772P.
Identifiers: ClinVar variation 3722277 (VCV003722277.2).

ClinVar aggregate classification (germline): Uncertain significance (1 of 4 stars; one submission).

Conditions:
Multiple gastrointestinal atresias. Also called: FAMILIAL INTESTINAL POLYATRESIA SYNDROME; Multiple intestinal atresia. Identifiers: Orphanet 2300, MedGen C0220744, MONDO:0009465.

Submission:

Labcorp Genetics (formerly Invitae), Labcorp
Classification: Uncertain significance for Multiple gastrointestinal atresias. Last evaluated: 2024-10-05. Review status: criteria provided, single submitter. Criteria: Invitae Variant Classification Sherloc (09022015). Collection method: clinical testing. Allele origin: germline.
Comment: This sequence change replaces leucine, which is neutral and non-polar, with proline, which is neutral and non-polar, at codon 748 of the TTC7A protein (p.Leu748Pro). Information on the frequency of this variant in the gnomAD database is not available, as this variant may be reported differently in the database. This variant has not been reported in the literature in individuals affected with TTC7A-related conditions. An algorithm developed to predict the effect of missense changes on protein structure and function (PolyPhen-2) suggests that this variant is likely to be disruptive. In summary, the available evidence is currently insufficient to determine the role of this variant in disease. Therefore, it has been classified as a Variant of Uncertain Significance.